The following is an entry in ClinVar:

NM_000901.5(NR3C2):c.1916G>A (p.Cys639Tyr)

Gene: NR3C2 (nuclear receptor subfamily 3 group C member 2; minus strand). Cytogenetic location: 4q31.23.
Variant type: single nucleotide variant.
Coding change: c.1916G>A on transcript NM_000901.5 (MANE Select); coding-DNA position 1916, G replaced by A.
Protein change: p.Cys639Tyr; replaces cysteine 639 with tyrosine.
Molecular consequence: missense variant. On other transcripts: non-coding transcript variant (1).
Genome position (GRCh38, 1-based): chr4:148,194,844, C>T on the plus strand (G>A on the coding strand, the complement: NR3C2 is on the minus strand). VCF-style: chr4-148194844-C-T. GRCh37 (hg19) VCF-style: chr4-149115995-C-T.
Other names: c.1916G>A, p.Cys639Tyr (NM_001166104.2, NM_001354819.1, NM_001437654.1 and 3 more transcripts); c.1928G>A, p.Cys643Tyr (NM_001437657.1); short protein forms C639Y, C643Y.
Identifiers: ClinVar variation 4975193 (VCV004975193.1).
Genomic context (GRCh38, chr4:148,194,844, plus strand): 5'-CTGCAAGCAGGACAATTCTTTCGTCGAATCTTATCAATGATGCAATCATTTCTTCCAGCA[C>T]ATAAATAGTTGTGTTGCCCTGATTAAAATAATAAAAAATAACTGTTAAAATAGAGTACAC-3'
Protein context (NP_000892.2, residues 629-649): RAVEGQHNYL[Cys639Tyr]AGRNDCIIDK

ClinVar aggregate classification (germline): Uncertain significance (1 of 4 stars; one submission).

gnomAD v4.1: 1 of 1,611,456 alleles (0.000062%); highest among the groups gnomAD compares: Non-Finnish European, 0.000085%; no homozygotes.

Submission:

GeneDx
Classification: Uncertain significance. Last evaluated: 2026-02-21. Review status: criteria provided, single submitter. Criteria: GeneDx Variant Classification Process June 2021. Collection method: clinical testing. Allele origin: germline.
Comment: Reported in a patient with pseudohypoaldosteronism type 1; however, it is unknown whether this individual was tested for variants in other genes associated with pseudohypoaldosteronism (PMID: 28348114); Not observed at significant frequency in large population cohorts (gnomAD); In silico analysis supports that this missense variant has a deleterious effect on protein structure/function; This variant is associated with the following publications: (PMID: 28348114)